The following is an entry in ClinVar:

NM_001142864.4(PIEZO1):c.480G>A (p.Arg160=)

Genes: HSALR1 (HSP90AB1 associated lncRNA 1; plus strand), PIEZO1 (piezo type mechanosensitive ion channel component 1 (Er blood group); minus strand). Cytogenetic location: 16q24.3.
Variant type: single nucleotide variant.
Coding change: c.480G>A on transcript NM_001142864.4 (MANE Select); coding-DNA position 480, G replaced by A.
Protein change: p.Arg160=; no amino-acid change (arginine 160 retained).
Molecular consequence: synonymous variant. On other transcripts: non-coding transcript variant (1).
Genome position (GRCh38, 1-based): chr16:88,738,722, C>T on the plus strand (G>A on the coding strand, the complement: PIEZO1 is on the minus strand). VCF-style: chr16-88738722-C-T. GRCh37 (hg19) VCF-style: chr16-88805130-C-T.
Identifiers: ClinVar variation 3036831 (VCV003036831.3), dbSNP rs537369862, ClinGen allele CA8233255.

ClinVar aggregate classification (germline): Likely benign. Review status: criteria provided, single submitter (1 of 4 stars). 2 submissions from 2 submitters: Likely benign (1). 1 of the submissions does not count toward it. Last evaluated 2024-09-04.

Conditions:
PIEZO1-related disorder. Also called: PIEZO1-related condition; PIEZO1-Related Disorders.

gnomAD v4.1: 70 of 1,531,542 alleles (0.0046%); highest among the groups gnomAD compares: Non-Finnish European, 0.0057%; no homozygotes.

Submissions (2):

Blueprint Genetics
Classification: Likely benign. Last evaluated: 2024-09-04. Review status: criteria provided, single submitter. Criteria: ACMG Guidelines, 2015. Collection method: clinical testing. Allele origin: germline.

PreventionGenetics, part of Exact Sciences
Classification: Likely benign for PIEZO1-related condition. Last evaluated: 2022-04-13. Review status: no assertion criteria provided. Collection method: clinical testing. Allele origin: germline. Not counted in ClinVar's aggregate classification.
Comment: This variant is classified as likely benign based on ACMG/AMP sequence variant interpretation guidelines (Richards et al. 2015 PMID: 25741868, with internal and published modifications).